The following is an entry in ClinVar:

ClinVar aggregate classification (germline): Uncertain significance. Review status: criteria provided, multiple submitters, no conflicts (2 of 4 stars). 2 submissions from 2 submitters: Uncertain significance (2). Last evaluated 2022-10-07.

Conditions:
Idiopathic Pulmonary Fibrosis. Also called: Idiopathic fibrosing alveolitis, chronic form; idiopathic fibrosing alveolitis. Identifiers: Orphanet 2032, MedGen C1800706, MeSH D054990, MONDO:0800504.
Dyskeratosis congenita, autosomal dominant 2. Identifiers: MedGen C3151443, MONDO:0013521, OMIM 613989.
Dyskeratosis congenita. Identifiers: Orphanet 1775, MedGen C0265965, MONDO:0015780.

Allele frequency attached by ClinVar (database versions not stated): gnomAD exomes 0.00001; ExAC 0.00002.

Submissions (2):

Labcorp Genetics (formerly Invitae), Labcorp
Classification: Uncertain significance for Dyskeratosis congenita, autosomal dominant 2; Idiopathic Pulmonary Fibrosis. Last evaluated: 2022-10-07. Review status: criteria provided, single submitter. Criteria: Invitae Variant Classification Sherloc (09022015). Collection method: clinical testing. Allele origin: germline.
Comment: This sequence change replaces arginine, which is basic and polar, with cysteine, which is neutral and slightly polar, at codon 224 of the TERT protein (p.Arg224Cys). The frequency data for this variant in the population databases is considered unreliable, as metrics indicate poor data quality at this position in the gnomAD database. This variant has not been reported in the literature in individuals affected with TERT-related conditions. ClinVar contains an entry for this variant (Variation ID: 581289). Advanced modeling of protein sequence and biophysical properties (such as structural, functional, and spatial information, amino acid conservation, physicochemical variation, residue mobility, and thermodynamic stability) performed at Invitae indicates that this missense variant is expected to disrupt TERT protein function. Algorithms developed to predict the effect of sequence changes on RNA splicing suggest that this variant may create or strengthen a splice site. In summary, the available evidence is currently insufficient to determine the role of this variant in disease. Therefore, it has been classified as a Variant of Uncertain Significance.

Ambry Genetics
Classification: Uncertain significance for Dyskeratosis congenita. Last evaluated: 2022-02-15. Review status: criteria provided, single submitter. Criteria: Ambry Variant Classification Scheme 2023. Collection method: clinical testing. Allele origin: germline.
Comment: The p.R224C variant (also known as c.670C>T), located in coding exon 2 of the TERT gene, results from a C to T substitution at nucleotide position 670. The arginine at codon 224 is replaced by cysteine, an amino acid with highly dissimilar properties. This amino acid position is conserved. In addition, the in silico prediction for this alteration is inconclusive. Since supporting evidence is limited at this time, the clinical significance of this alteration remains unclear.

NM_198253.3(TERT):c.670C>T (p.Arg224Cys)

Gene: TERT (telomerase reverse transcriptase; minus strand). Cytogenetic location: 5p15.33.
Variant type: single nucleotide variant.
Coding change: c.670C>T on transcript NM_198253.3 (MANE Select); coding-DNA position 670, C replaced by T.
Protein change: p.Arg224Cys; replaces arginine 224 with cysteine.
Molecular consequence: missense variant. On other transcripts: non-coding transcript variant (2).
Genome position (GRCh38, 1-based): chr5:1,294,216, G>A on the plus strand (C>T on the coding strand, the complement: TERT is on the minus strand). VCF-style: chr5-1294216-G-A. GRCh37 (hg19) VCF-style: chr5-1294331-G-A.
Other names: c.670C>T, p.Arg224Cys (NM_001193376.3); short protein forms R224C.
Identifiers: ClinVar variation 581289 (VCV000581289.9), dbSNP rs750497661, ClinGen allele CA3184932.
Genomic context (GRCh38, chr5:1,294,216, plus strand): 5'-GGGCAGCGCCACGCCTGGGCCTCTTGGGCAACGGCAGACTTCGGCTGGCACTGCCCCCGC[G>A]CCTCCTCGCACCCGGGGCTGGCAGGCCCAGGGGGACCCCGGCCTCCCTGACGCTATGGTT-3'
Protein context (NP_937983.2, residues 214-234): LGLPAPGARR[Arg224Cys]GGSASRSLPL